The following is an entry in ClinVar:

NM_002470.4(MYH3):c.4142T>C (p.Ile1381Thr)

Gene: MYH3 (myosin heavy chain 3; minus strand). Cytogenetic location: 17p13.1.
Variant type: single nucleotide variant.
Coding change: c.4142T>C on transcript NM_002470.4 (MANE Select); coding-DNA position 4142, T replaced by C.
Protein change: p.Ile1381Thr; replaces isoleucine 1381 with threonine.
Molecular consequence: missense variant.
Genome position (GRCh38, 1-based): chr17:10,635,397, A>G on the plus strand (T>C on the coding strand, the complement: MYH3 is on the minus strand). VCF-style: chr17-10635397-A-G. GRCh37 (hg19) VCF-style: chr17-10538714-A-G.
Other names: short protein forms I1381T.
Identifiers: ClinVar variation 3573754 (VCV003573754.1).

ClinVar aggregate classification (germline): Uncertain significance (1 of 4 stars; one submission).

Submission:

GeneDx
Classification: Uncertain significance. Last evaluated: 2024-07-17. Review status: criteria provided, single submitter. Criteria: GeneDx Variant Classification Process June 2021. Collection method: clinical testing. Allele origin: germline. Affected: yes.
Comment: Not observed at significant frequency in large population cohorts (gnomAD); In silico analysis supports that this missense variant has a deleterious effect on protein structure/function; Has not been previously published as pathogenic or benign to our knowledge